The following is an entry in ClinVar:

ClinVar aggregate classification (germline): Pathogenic/Likely pathogenic. Review status: criteria provided, multiple submitters, no conflicts (2 of 4 stars). 5 submissions from 5 submitters: Pathogenic (3); Likely pathogenic (1). 1 of the submissions does not count toward it. Last evaluated 2026-01-26.

Conditions:
Epidermolysis bullosa dystrophica. Also called: Dystrophic epidermolysis bullosa; Dystrophic epidermolysis bullosa, Hallopeau-Siemens type (formerly). Identifiers: Orphanet 303, MedGen C0079294, MONDO:0006543.
Epidermolysis bullosa pruriginosa. Also called: DEB, PRURIGINOSA; DYSTROPHIC EPIDERMOLYSIS BULLOSA PRURIGINOSA. Identifiers: Orphanet 89843, MedGen C1275114, MONDO:0011398, OMIM 604129.
Generalized dominant dystrophic epidermolysis bullosa (DDEB). Also called: Dominant DEB (DDEB); DDEB, generalized; DDEB-gen; DYSTROPHIC EPIDERMOLYSIS BULLOSA, AUTOSOMAL DOMINANT; Epidermolysis bullosa dystrophica, autosomal dominant. Identifiers: Orphanet 231568, MedGen C0432322, MONDO:0007549, OMIM 131750.

Submissions (5):

Medical and Scientific Branch, Hong Kong Genome Institute
Classification: Likely pathogenic for Epidermolysis bullosa pruriginosa. Last evaluated: 2026-01-26. Review status: criteria provided, single submitter. Criteria: ACMG Guidelines, 2015. Collection method: clinical testing. Allele origin: de novo. Affected: yes.

Natera, Inc.
Classification: Pathogenic for Dystrophic epidermolysis bullosa. Last evaluated: 2025-07-14. Review status: criteria provided, single submitter. Criteria: Natera Variant Classification Schema (03/2026). Collection method: clinical testing. Allele origin: germline.
Comment: The c.6110G>A variant in COL7A1 is a missense variant predicted to cause substitution of glycine to glutamic acid at amino acid 2037. This variant is rare in the general population with a frequency below the threshold expected for the associated phenotype(s). This variant has been observed in affected individual(s) with monoallelic occurrence (heterozygous/hemizygous) (PMID: 38368142, 35979658, 16189623, 10233777). This variant has been confirmed as or assumed to be a de novo occurrence in one or more affected individuals (PMID: 38368142). A different variant at the same position has been determined to be Pathogenic or Likely Pathogenic. Computational prediction algorithms indicate this variant is likely to affect gene or protein function. Given the available evidence, this variant is classified as Pathogenic.

Center for Research in Genodermatoses and Epidermolysis Bullosa, University of Buenos Aires
Classification: Pathogenic for Generalized dominant dystrophic epidermolysis bullosa. Last evaluated: 2022-03-14. Review status: criteria provided, single submitter. Criteria: ACMG Guidelines, 2015. Collection method: clinical testing. Allele origin: germline. Affected: yes. Observed: 1 variant allele, 1 heterozygote.

GeneDx
Classification: Pathogenic. Last evaluated: 2016-03-02. Review status: criteria provided, single submitter. Criteria: GeneDx Variant Classification (06012015). Collection method: clinical testing. Allele origin: germline. Affected: yes.
Comment: The p.G2037E pathogenic variant in the COL7A1 gene has been reported previously (Jonkman et al., 1999, Sawamura et al., 2005, 2006, Almaani et al 2011). The p.G2037E variant was not observed in approximately 6500 individuals of European and African American ancestry in the NHLBI Exome Sequencing Project, indicating it is not a common benign variant in these populations. The p.G2037E variant is a non-conservative amino acid substitution, which is likely to impact secondary protein structure as these residues differ in polarity, charge, size and/or other properties. This substitution occurs at a position that is conserved across species. In silico analysis predicts this variant is probably damaging to the protein structure/function as it occurs at the first Glycine position of the canonical Gly-X-Y repeat in the collagenous domain of the colVII protein. Glycine substitution variants in this region of the collagen VII protein will destabilize the collagen triple helix resulting in anchoring fibrils that are fragile and result in poor anchoring off the basement membrane to the underlying dermis. Missense variants in nearby residues (G2034R, E, W, V, G2040S, V, D) have been reported in the Human Gene Mutation Database in association with DEB (Stenson et al., 2014), supporting the functional importance of this region of the protein. We interpret p.G2037E as a pathogenic variant.

OMIM
Classification: Pathogenic for EPIDERMOLYSIS BULLOSA DYSTROPHICA, AUTOSOMAL DOMINANT. Last evaluated: 2006-01-01. Review status: no assertion criteria provided. Collection method: literature only. Allele origin: germline. Not counted in ClinVar's aggregate classification.

Literature cited by the submitters: PubMed 38368142 (cited by Natera, Inc.); PubMed 35979658 (cited by Natera, Inc. and Center for Research in Genodermatoses and Epidermolysis Bullosa, University of Buenos Aires); PubMed 16189623 (cited by Natera, Inc.); PubMed 10233777 (cited by Natera, Inc. and Center for Research in Genodermatoses and Epidermolysis Bullosa, University of Buenos Aires); PubMed 16557343 (cited by OMIM).

NM_000094.4(COL7A1):c.6110G>A (p.Gly2037Glu)

Gene: COL7A1 (collagen type VII alpha 1 chain; minus strand). Cytogenetic location: 3p21.31.
Variant type: single nucleotide variant.
Coding change: c.6110G>A on transcript NM_000094.4 (MANE Select); coding-DNA position 6110, G replaced by A.
Protein change: p.Gly2037Glu; replaces glycine 2037 with glutamic acid.
Molecular consequence: missense variant.
Genome position (GRCh38, 1-based): chr3:48,575,409, C>T on the plus strand (G>A on the coding strand, the complement: COL7A1 is on the minus strand). VCF-style: chr3-48575409-C-T. GRCh37 (hg19) VCF-style: chr3-48612842-C-T.
Other names: short protein forms G2037E.
Identifiers: ClinVar variation 17453 (VCV000017453.24), dbSNP rs121912846, ClinGen allele CA257954.